The following is an entry in ClinVar:

ClinVar aggregate classification (germline): Likely pathogenic (1 of 4 stars; one submission).

Conditions:
Arrhythmogenic right ventricular dysplasia 9 (ARVD9). Also called: Arrhythmogenic Right Ventricular Dysplasia/Cardiomyopathy 9; ARRHYTHMOGENIC RIGHT VENTRICULAR DYSPLASIA, FAMILIAL, 9. Identifiers: MedGen C1836906, MONDO:0012180, OMIM 609040.

Submission:

Labcorp Genetics (formerly Invitae), Labcorp
Classification: Likely pathogenic for Arrhythmogenic right ventricular dysplasia 9. Last evaluated: 2023-07-25. Review status: criteria provided, single submitter. Criteria: Invitae Variant Classification Sherloc (09022015). Collection method: clinical testing. Allele origin: unknown.
Comment: In summary, the currently available evidence indicates that the variant is pathogenic, but additional data are needed to prove that conclusively. Therefore, this variant has been classified as Likely Pathogenic. ClinVar contains an entry for this variant (Variation ID: 935758). This variant has not been reported in the literature in individuals affected with PKP2-related conditions. This variant results in the deletion of part of exon 11 (c.2293_2299+1008del) of the PKP2 gene. It is expected to disrupt RNA splicing. Variants that disrupt the donor or acceptor splice site typically lead to a loss of protein function (PMID: 16199547), and loss-of-function variants in PKP2 are known to be pathogenic (PMID: 15489853, 23911551).

Literature cited by the submitters: PubMed 16199547; PubMed 15489853; PubMed 23911551.

NC_000012.11:g.(?_32954329)_(32955343_?)del

Gene: PKP2 (plakophilin 2; minus strand). Cytogenetic location: 12p11.21.
Variant type: Deletion.
Identifiers: ClinVar variation 3244295 (VCV003244295.1).